The following is an entry in ClinVar:

ClinVar aggregate classification (germline): Uncertain significance (1 of 4 stars; one submission).

Conditions:
Gnathodiaphyseal dysplasia (GDD). Also called: GNATHODIAPHYSEAL SCLEROSIS; OSTEOGENESIS IMPERFECTA WITH UNUSUAL SKELETAL LESIONS. Identifiers: Orphanet 53697, MedGen C1833736, MONDO:0008151, OMIM 166260.
Autosomal recessive limb-girdle muscular dystrophy type 2L (LGMDR12). Also called: Limb-girdle muscular dystrophy, type 2L; MUSCULAR DYSTROPHY, LIMB-GIRDLE, AUTOSOMAL RECESSIVE 12; Limb-Girdle Muscular Dystrophy R12 Anoctamin-5-Related (LGMD-R12). Identifiers: Orphanet 206549, MedGen C1969785, MONDO:0012652, OMIM 611307.

gnomAD v4.1: 8 of 1,613,972 alleles (0.0005%); highest among the groups gnomAD compares: South Asian, 0.0077%; no homozygotes.

Submission:

Labcorp Genetics (formerly Invitae), Labcorp
Classification: Uncertain significance for Autosomal recessive limb-girdle muscular dystrophy type 2L; Gnathodiaphyseal dysplasia. Last evaluated: 2026-01-26. Review status: criteria provided, single submitter. Criteria: Invitae Variant Classification Sherloc (09022015). Collection method: clinical testing. Allele origin: germline.
Comment: This sequence change replaces aspartic acid, which is acidic and polar, with glycine, which is neutral and non-polar, at codon 708 of the ANO5 protein (p.Asp708Gly). This variant is present in population databases (rs761975995, gnomAD 0.01%). This variant has not been reported in the literature in individuals affected with ANO5-related conditions. Invitae Evidence Modeling of protein sequence and biophysical properties (such as structural, functional, and spatial information, amino acid conservation, physicochemical variation, residue mobility, and thermodynamic stability) indicates that this missense variant is expected to disrupt ANO5 protein function with a positive predictive value of 95%. In summary, the available evidence is currently insufficient to determine the role of this variant in disease. Therefore, it has been classified as a Variant of Uncertain Significance.

NM_213599.3(ANO5):c.2123A>G (p.Asp708Gly)

Gene: ANO5 (anoctamin 5; plus strand). Cytogenetic location: 11p14.3.
Variant type: single nucleotide variant.
Coding change: c.2123A>G on transcript NM_213599.3 (MANE Select); coding-DNA position 2123, A replaced by G.
Protein change: p.Asp708Gly; replaces aspartic acid 708 with glycine.
Molecular consequence: missense variant.
Genome position (GRCh38, 1-based): chr11:22,272,877, A>G. VCF-style: chr11-22272877-A-G. GRCh37 (hg19) VCF-style: chr11-22294423-A-G.
Other names: c.2030A>G, p.Asp677Gly (NM_001441296.1); c.2003A>G, p.Asp668Gly (NM_001441297.1); c.1967A>G, p.Asp656Gly (NM_001441298.1); c.1964A>G, p.Asp655Gly (NM_001441299.1); c.1688A>G, p.Asp563Gly (NM_001441300.1); c.1685A>G, p.Asp562Gly (NM_001441301.1); c.1637A>G, p.Asp546Gly (NM_001441302.1); c.2120A>G, p.Asp707Gly (NM_001142649.2); and 4 more; short protein forms D546G, D562G, D656G, D682G, D693G, D707G, D677G, D694G.
Identifiers: ClinVar variation 4790096 (VCV004790096.1).